The following is an entry in ClinVar:

ClinVar aggregate classification (germline): Uncertain significance. Review status: criteria provided, single submitter (1 of 4 stars). 2 submissions from 2 submitters: Uncertain significance (1). 1 of the submissions does not count toward it. Last evaluated 2023-12-17.

Conditions:
BCORL1-related disorder. Also called: BCORL1-related condition.

Allele frequency attached by ClinVar (database versions not stated): TOPMed 0.00020; 1000 Genomes Project 30x 0.00021; gnomAD 0.00021; 1000 Genomes Project 0.00026; ExAC 0.00035; gnomAD exomes 0.00040; ESP Exome Variant Server 0.00047.
gnomAD v4.1: 461 of 1,209,451 alleles (0.038%); highest among the groups gnomAD compares: South Asian, 0.067%; no homozygotes.

Submissions (2):

Ambry Genetics
Classification: Uncertain significance. Last evaluated: 2023-12-17. Review status: criteria provided, single submitter. Criteria: Ambry Variant Classification Scheme 2023. Collection method: clinical testing. Allele origin: germline.

PreventionGenetics, part of Exact Sciences
Classification: Likely benign for BCORL1-related condition. Last evaluated: 2022-07-06. Review status: no assertion criteria provided. Collection method: clinical testing. Allele origin: germline. Not counted in ClinVar's aggregate classification.
Comment: This variant is classified as likely benign based on ACMG/AMP sequence variant interpretation guidelines (Richards et al. 2015 PMID: 25741868, with internal and published modifications).

NM_001379451.1(BCORL1):c.4864C>T (p.Arg1622Trp)

Gene: BCORL1 (BCL6 corepressor like 1; plus strand). Cytogenetic location: Xq26.1.
Variant type: single nucleotide variant.
Coding change: c.4864C>T on transcript NM_001379451.1 (MANE Select); coding-DNA position 4864, C replaced by T.
Protein change: p.Arg1622Trp; replaces arginine 1622 with tryptophan.
Molecular consequence: missense variant.
Genome position (GRCh38, 1-based): chrX:130,050,740, C>T. VCF-style: chrX-130050740-C-T. GRCh37 (hg19) VCF-style: chrX-129184715-C-T.
Other names: c.4864C>T, p.Arg1622Trp (NM_001184772.3, NM_001379450.1); c.4642C>T, p.Arg1548Trp (NM_021946.5); short protein forms R1548W, R1622W.
Identifiers: ClinVar variation 3047703 (VCV003047703.3), dbSNP rs151302991, ClinGen allele CA10514757.